The following is an entry in ClinVar:

ClinVar aggregate classification (germline): Likely benign (1 of 4 stars; one submission).

Conditions:
Weill-Marchesani 4 syndrome, recessive. Also called: Weill-Marchesani syndrome 4. Identifiers: Orphanet 363992, MedGen C2750787, MONDO:0013176, OMIM 613195.

Allele frequency attached by ClinVar (database versions not stated): 1000 Genomes Project 30x 0.00094; 1000 Genomes Project 0.00140; gnomAD 0.00176 and 0.00181; TOPMed 0.00188.

Submission:

Illumina Laboratory Services, Illumina
Classification: Likely benign for Weill-Marchesani 4 syndrome, recessive. Last evaluated: 2018-01-13. Review status: criteria provided, single submitter. Criteria: ICSL Variant Classification Criteria 13 December 2019. Collection method: clinical testing. Allele origin: germline.
Comment: This variant was observed in the ICSL laboratory as part of a predisposition screen in an ostensibly healthy population. It had not been previously curated by ICSL or reported in the Human Gene Mutation Database (HGMD: prior to June 1st, 2018), and was therefore a candidate for classification through an automated scoring system. Utilizing variant allele frequency, disease prevalence and penetrance estimates, and inheritance mode, an automated score was calculated to assess if this variant is too frequent to cause the disease. Based on the score and internal cut-off values, a variant classified as likely benign is not then subjected to further curation. The score for this variant resulted in a classification of likely benign for this disease.

NM_139057.4(ADAMTS17):c.*1653C>G

Gene: ADAMTS17 (ADAM metallopeptidase with thrombospondin type 1 motif 17; minus strand). Cytogenetic location: 15q26.3.
Variant type: single nucleotide variant.
Coding change: c.*1653C>G on transcript NM_139057.4 (MANE Select); 1653 bases downstream of the stop codon, C replaced by G.
Molecular consequence: 3 prime UTR variant.
Genome position (GRCh38, 1-based): chr15:99,972,749, G>C on the plus strand (C>G on the coding strand, the complement: ADAMTS17 is on the minus strand). VCF-style: chr15-99972749-G-C. GRCh37 (hg19) VCF-style: chr15-100512954-G-C.
Identifiers: ClinVar variation 315180 (VCV000315180.5), dbSNP rs536677830, ClinGen allele CA10646849.